The following is an entry in ClinVar:

ClinVar aggregate classification (germline): Likely benign (1 of 4 stars; one submission).

Conditions:
MELAS syndrome (MELAS). Also called: Juvenile myopathy, encephalopathy, lactic acidosis, stroke. Identifiers: Orphanet 550, MedGen C0162671, MONDO:0010789, OMIM 540000.

Submission:

Wong Mito Lab, Molecular and Human Genetics, Baylor College of Medicine
Classification: Likely benign for MELAS syndrome. Last evaluated: 2019-07-12. Review status: criteria provided, single submitter. Criteria: Modified ACMG Guidelines (Unpublished). Collection method: clinical testing. Allele origin: germline.
Comment: The NC_012920.1:m.7546T>C variant in MT-TD gene is interpreted to be a Likely Benign variant based on the modified ACMG guidelines (unpublished). This variant meets the following evidence codes reported in the guidelines: BP4, BP6

Literature cited by the submitters: PubMed 31965079.

NC_012920.1(MT-TD):m.7546T>C

Gene: MT-TD (mitochondrially encoded tRNA aspartic acid; plus strand).
Variant type: single nucleotide variant.
Genome position: chrM-7546-T-C.
Identifiers: ClinVar variation 690043 (VCV000690043.1), dbSNP rs1603221007, ClinGen allele CA913177366.